The following is an entry in ClinVar:

NM_020745.4(AARS2):c.1048C>T (p.Leu350Phe)

Gene: AARS2 (alanyl-tRNA synthetase 2, mitochondrial; minus strand). Cytogenetic location: 6p21.1.
Variant type: single nucleotide variant.
Coding change: c.1048C>T on transcript NM_020745.4 (MANE Select); coding-DNA position 1048, C replaced by T.
Protein change: p.Leu350Phe; replaces leucine 350 with phenylalanine.
Molecular consequence: missense variant.
Genome position (GRCh38, 1-based): chr6:44,307,024, G>A on the plus strand (C>T on the coding strand, the complement: AARS2 is on the minus strand). VCF-style: chr6-44307024-G-A. GRCh37 (hg19) VCF-style: chr6-44274761-G-A.
Other names: short protein forms L350F.
Identifiers: ClinVar variation 4686987 (VCV004686987.1).

ClinVar aggregate classification (germline): Uncertain significance (1 of 4 stars; one submission).

Submission:

GeneDx
Classification: Uncertain significance. Last evaluated: 2025-07-20. Review status: criteria provided, single submitter. Criteria: GeneDx Variant Classification Process June 2021. Collection method: clinical testing. Allele origin: germline. Affected: yes.
Comment: Not observed at significant frequency in large population cohorts (gnomAD); In silico analysis supports that this missense variant has a deleterious effect on protein structure/function; Has not been previously published as pathogenic or benign to our knowledge